The following is an entry in ClinVar:

ClinVar aggregate classification (germline): Uncertain significance. Review status: criteria provided, multiple submitters, no conflicts (2 of 4 stars). 3 submissions from 3 submitters: Uncertain significance (3). Last evaluated 2024-05-26.

Conditions:
Hereditary cancer-predisposing syndrome. Also called: Neoplastic Syndromes, Hereditary; Hereditary Cancer Syndrome; Tumor predisposition; Hereditary neoplastic syndrome. Identifiers: Orphanet 140162, MedGen C0027672, MeSH D009386, MONDO:0015356.
Neuroblastoma, susceptibility to, 3. Also called: ALK-Related Neuroblastic Tumor Susceptibility. Identifiers: Orphanet 635, MedGen C2751681, MONDO:0013083, OMIM 613014.

Submissions (3):

Labcorp Genetics (formerly Invitae), Labcorp
Classification: Uncertain significance for Neuroblastoma, susceptibility to, 3. Last evaluated: 2024-05-26. Review status: criteria provided, single submitter. Criteria: Invitae Variant Classification Sherloc (09022015). Collection method: clinical testing. Allele origin: germline.
Comment: This sequence change replaces proline, which is neutral and non-polar, with serine, which is neutral and polar, at codon 316 of the ALK protein (p.Pro316Ser). This variant is not present in population databases (gnomAD no frequency). This variant has not been reported in the literature in individuals affected with ALK-related conditions. ClinVar contains an entry for this variant (Variation ID: 1517391). An algorithm developed to predict the effect of missense changes on protein structure and function (PolyPhen-2) suggests that this variant is likely to be tolerated. In summary, the available evidence is currently insufficient to determine the role of this variant in disease. Therefore, it has been classified as a Variant of Uncertain Significance.

Baylor Genetics
Classification: Uncertain significance for Neuroblastoma, susceptibility to, 3. Last evaluated: 2023-09-07. Review status: criteria provided, single submitter. Criteria: ACMG Guidelines, 2015. Collection method: clinical testing. Allele origin: unknown.

Ambry Genetics
Classification: Uncertain significance for Hereditary cancer-predisposing syndrome. Last evaluated: 2022-05-30. Review status: criteria provided, single submitter. Criteria: Ambry Variant Classification Scheme 2023. Collection method: clinical testing. Allele origin: germline.
Comment: The p.P316S variant (also known as c.946C>T), located in coding exon 3 of the ALK gene, results from a C to T substitution at nucleotide position 946. The proline at codon 316 is replaced by serine, an amino acid with similar properties. This amino acid position is conserved. In addition, this alteration is predicted to be tolerated by in silico analysis. Since supporting evidence is limited at this time, the clinical significance of this alteration remains unclear.

NM_004304.5(ALK):c.946C>T (p.Pro316Ser)

Gene: ALK (ALK receptor tyrosine kinase; minus strand). Cytogenetic location: 2p23.2.
Variant type: single nucleotide variant.
Coding change: c.946C>T on transcript NM_004304.5 (MANE Select); coding-DNA position 946, C replaced by T.
Protein change: p.Pro316Ser; replaces proline 316 with serine.
Molecular consequence: missense variant.
Genome position (GRCh38, 1-based): chr2:29,694,856, G>A on the plus strand (C>T on the coding strand, the complement: ALK is on the minus strand). VCF-style: chr2-29694856-G-A. GRCh37 (hg19) VCF-style: chr2-29917722-G-A.
Other names: short protein forms P316S.
Identifiers: ClinVar variation 1517391 (VCV001517391.9), dbSNP rs1254406721, ClinGen allele CA346586818.